The following is an entry in ClinVar:

NM_001042492.3(NF1):c.843C>T (p.Ile281=)

Gene: NF1 (neurofibromin 1; plus strand). Cytogenetic location: 17q11.2.
Variant type: single nucleotide variant.
Coding change: c.843C>T on transcript NM_001042492.3 (MANE Select); coding-DNA position 843, C replaced by T.
Protein change: p.Ile281=; no amino-acid change (isoleucine 281 retained).
Molecular consequence: synonymous variant.
Genome position (GRCh38, 1-based): chr17:31,182,620, C>T. VCF-style: chr17-31182620-C-T. GRCh37 (hg19) VCF-style: chr17-29509638-C-T.
Other names: c.843C>T, p.Ile281= (NM_001128147.3, NM_000267.4).
Identifiers: ClinVar variation 231222 (VCV000231222.12), dbSNP rs146094856, ClinGen allele CA10580202.

ClinVar aggregate classification (germline): Benign/Likely benign. Review status: criteria provided, multiple submitters, no conflicts (2 of 4 stars). 5 submissions from 5 submitters: Benign (1); Likely benign (4). Last evaluated 2026-05-14.

Conditions:
Neurofibromatosis, type 1 (NF1). Also called: NEUROFIBROMATOSIS, TYPE I, SOMATIC; Neurofibromatosis, type I; VON RECKLINGHAUSEN DISEASE; Peripheral type neurofibromatosis. Identifiers: Orphanet 636, MedGen C0027831, MONDO:0018975, OMIM 162200. Disease mechanism: loss of function.
Hereditary cancer-predisposing syndrome. Also called: Hereditary neoplastic syndrome; Neoplastic Syndromes, Hereditary; Hereditary Cancer Syndrome; Tumor predisposition. Identifiers: Orphanet 140162, MedGen C0027672, MeSH D009386, MONDO:0015356.

Allele frequency attached by ClinVar (database versions not stated): gnomAD exomes below 0.00001.
gnomAD v4.1: 2 of 1,613,826 alleles (0.00012%); highest among the groups gnomAD compares: East Asian, 0.0045%; no homozygotes.

Submissions (5):

Myriad Genetics, Inc.
Classification: Benign for Neurofibromatosis, type 1. Last evaluated: 2026-05-14. Review status: criteria provided, single submitter. Criteria: Myriad Autosomal Dominant, Autosomal Recessive and X-Linked Classification Criteria (2023). Collection method: clinical testing. Allele origin: unknown.
Comment: This variant is considered benign. This variant is a silent/synonymous amino acid change and it is not expected to impact splicing.

Labcorp Genetics (formerly Invitae), Labcorp
Classification: Likely benign for Neurofibromatosis, type 1. Last evaluated: 2025-07-07. Review status: criteria provided, single submitter. Criteria: Invitae Variant Classification Sherloc (09022015). Collection method: clinical testing. Allele origin: germline.

Genome-Nilou Lab
Classification: Likely benign for Neurofibromatosis, type 1. Last evaluated: 2022-03-15. Review status: criteria provided, single submitter. Criteria: ACMG Guidelines, 2015. Collection method: clinical testing. Allele origin: germline. Affected: no.

Sema4
Classification: Likely benign for Hereditary cancer-predisposing syndrome. Last evaluated: 2021-07-20. Review status: criteria provided, single submitter. Criteria: Sema4 Curation Guidelines. Collection method: curation. Allele origin: germline.

Ambry Genetics
Classification: Likely benign for Hereditary cancer-predisposing syndrome. Last evaluated: 2015-04-01. Review status: criteria provided, single submitter. Criteria: Ambry Autosomal Dominant and X-Linked criteria (10/2015). Collection method: clinical testing. Allele origin: germline. Observed: 1 variant allele.